The following is an entry in ClinVar:

NM_152594.3(SPRED1):c.1202G>T (p.Cys401Phe)

Gene: SPRED1 (sprouty related EVH1 domain containing 1; plus strand). Cytogenetic location: 15q14.
Variant type: single nucleotide variant.
Coding change: c.1202G>T on transcript NM_152594.3 (MANE Select); coding-DNA position 1202, G replaced by T.
Protein change: p.Cys401Phe; replaces cysteine 401 with phenylalanine.
Molecular consequence: missense variant.
Genome position (GRCh38, 1-based): chr15:38,351,531, G>T. VCF-style: chr15-38351531-G-T. GRCh37 (hg19) VCF-style: chr15-38643732-G-T.
Other names: short protein forms C401F.
Identifiers: ClinVar variation 468791 (VCV000468791.13), dbSNP rs779058019, ClinGen allele CA7470243.

ClinVar aggregate classification (germline): Conflicting classifications of pathogenicity. Review status: criteria provided, conflicting classifications (1 of 4 stars). 3 submissions from 3 submitters: Uncertain significance (1); Benign (1); Likely benign (1). Last evaluated 2026-04-03.

Conditions:
Cardiovascular phenotype. Identifiers: MedGen CN230736.
Legius syndrome. Identifiers: Orphanet 137605, MedGen C1969623, MONDO:0012669, OMIM 611431. Disease mechanism: loss of function.

Allele frequency attached by ClinVar (database versions not stated): ExAC 0.00002; TOPMed 0.00002; gnomAD exomes 0.00003 and 0.00008.
gnomAD v4.1: 110 of 1,613,984 alleles (0.0068%); highest among the groups gnomAD compares: Non-Finnish European, 0.009%; no homozygotes.

Submissions (3):

Women's Health and Genetics/Laboratory Corporation of America, LabCorp
Classification: Uncertain significance. Last evaluated: 2026-04-03. Review status: criteria provided, single submitter. Criteria: LabCorp Variant Classification Summary - May 2015. Collection method: clinical testing. Allele origin: germline.
Comment: Variant summary: SPRED1 c.1202G>T (p.Cys401Phe) results in a non-conservative amino acid change located in the Sprouty domain (IPR007875) of the encoded protein sequence. Algorithms developed to predict the effect of missense changes on protein structure and function are either unavailable or do not agree on the potential impact of this missense change. The variant allele was found at a frequency of 2.8e-05 in 251246 control chromosomes. The available data on variant occurrences in the general population are insufficient to allow any conclusion about variant significance. These report(s) do not provide unequivocal conclusions about association of the variant with Noonan Syndrome And Related Conditions. To our knowledge, no experimental evidence demonstrating an impact on protein function has been reported. The following publications have been ascertained in the context of this evaluation (PMID: 26084686, 39031930). ClinVar contains an entry for this variant (Variation ID: 468791). Based on the evidence outlined above, the variant was classified as uncertain significance.

Labcorp Genetics (formerly Invitae), Labcorp
Classification: Benign for Legius syndrome. Last evaluated: 2026-01-05. Review status: criteria provided, single submitter. Criteria: Invitae Variant Classification Sherloc (09022015). Collection method: clinical testing. Allele origin: germline.

Ambry Genetics
Classification: Likely benign for Cardiovascular phenotype. Last evaluated: 2024-10-01. Review status: criteria provided, single submitter. Criteria: Ambry Variant Classification Scheme 2023. Collection method: clinical testing. Allele origin: germline.

Literature cited by the submitters: PubMed 26084686 (cited by Women's Health and Genetics/Laboratory Corporation of America, LabCorp); PubMed 39031930 (cited by Women's Health and Genetics/Laboratory Corporation of America, LabCorp).